The following is an entry in ClinVar:

NM_153252.5(BRWD3):c.4312A>G (p.Ile1438Val)

Gene: BRWD3 (bromodomain and WD repeat domain containing 3; minus strand). Cytogenetic location: Xq21.1.
Variant type: single nucleotide variant.
Coding change: c.4312A>G on transcript NM_153252.5 (MANE Select); coding-DNA position 4312, A replaced by G.
Protein change: p.Ile1438Val; replaces isoleucine 1438 with valine.
Molecular consequence: missense variant.
Genome position (GRCh38, 1-based): chrX:80,682,550, T>C on the plus strand (A>G on the coding strand, the complement: BRWD3 is on the minus strand). VCF-style: chrX-80682550-T-C. GRCh37 (hg19) VCF-style: chrX-79938049-T-C.
Other names: short protein forms I1438V.
Identifiers: ClinVar variation 3689937 (VCV003689937.2).

ClinVar aggregate classification (germline): Uncertain significance (1 of 4 stars; one submission).

Submission:

Labcorp Genetics (formerly Invitae), Labcorp
Classification: Uncertain significance. Last evaluated: 2024-06-28. Review status: criteria provided, single submitter. Criteria: Invitae Variant Classification Sherloc (09022015). Collection method: clinical testing. Allele origin: germline.
Comment: This sequence change replaces isoleucine, which is neutral and non-polar, with valine, which is neutral and non-polar, at codon 1438 of the BRWD3 protein (p.Ile1438Val). This variant is not present in population databases (gnomAD no frequency). This variant has not been reported in the literature in individuals affected with BRWD3-related conditions. Advanced modeling of protein sequence and biophysical properties (such as structural, functional, and spatial information, amino acid conservation, physicochemical variation, residue mobility, and thermodynamic stability) performed at Invitae indicates that this missense variant is not expected to disrupt BRWD3 protein function with a negative predictive value of 80%. In summary, the available evidence is currently insufficient to determine the role of this variant in disease. Therefore, it has been classified as a Variant of Uncertain Significance.